The following is an entry in ClinVar:

ClinVar aggregate classification (germline): Conflicting classifications of pathogenicity. Review status: criteria provided, conflicting classifications (1 of 4 stars). 2 submissions from 2 submitters: Uncertain significance (1); Likely benign (1). Last evaluated 2024-01-29.

Conditions:
Dyskeratosis congenita. Identifiers: Orphanet 1775, MedGen C0265965, MONDO:0015780.

Allele frequency attached by ClinVar (database versions not stated): gnomAD 0.00001; gnomAD exomes 0.00001 and 0.00003; ExAC 0.00008.
gnomAD v4.1: 22 of 1,608,294 alleles (0.0014%); highest among the groups gnomAD compares: Middle Eastern, 0.016%; 1 homozygote.

Submissions (2):

Labcorp Genetics (formerly Invitae), Labcorp
Classification: Likely benign for Dyskeratosis congenita. Last evaluated: 2024-01-29. Review status: criteria provided, single submitter. Criteria: Invitae Variant Classification Sherloc (09022015). Collection method: clinical testing. Allele origin: germline.

Sema4
Classification: Uncertain significance for Dyskeratosis congenita. Last evaluated: 2022-02-26. Review status: criteria provided, single submitter. Criteria: Sema4 Curation Guidelines. Collection method: curation. Allele origin: germline.
Comment: The CTC1 c.1092C>T (p.G364=) variant has not been reported in the literature to our knowledge. It was observed in 7/247974 chromosomes across all populations in the large and broad cohorts of the Genome Aggregation Database (PMID: 32461654). This variant has not been reported in ClinVar. In silico tools suggest that the variant may create a cryptic splice site, though these predictions have not been confirmed by functional studies. The evidence is insufficient to meet ACMG/AMP criteria for classifying the variant as benign or pathogenic. Thus, the clinical significance of this variant is currently uncertain.

NM_025099.6(CTC1):c.1092C>T (p.Gly364=)

Gene: CTC1 (CST telomere replication complex component 1; minus strand). Cytogenetic location: 17p13.1.
Variant type: single nucleotide variant.
Coding change: c.1092C>T on transcript NM_025099.6 (MANE Select); coding-DNA position 1092, C replaced by T.
Protein change: p.Gly364=; no amino-acid change (glycine 364 retained).
Molecular consequence: synonymous variant. On other transcripts: non-coding transcript variant (1).
Genome position (GRCh38, 1-based): chr17:8,235,945, G>A on the plus strand (C>T on the coding strand, the complement: CTC1 is on the minus strand). VCF-style: chr17-8235945-G-A. GRCh37 (hg19) VCF-style: chr17-8139263-G-A.
Other names: c.1092C>T, p.Gly364= (NM_001411067.1).
Identifiers: ClinVar variation 1691957 (VCV001691957.6), dbSNP rs761668228, ClinGen allele CA8372460.
Genomic context (GRCh38, chr17:8,235,945, plus strand): 5'-GGCAAGGCAGAGCCCCAGCTGCCCATCCAGCTCATAGAGGCCAGCGGGCTCATTCAACAC[G>A]CCAGTGACTGCTCCCTGCAAACAGGCCGAGGTCCAGTTGACCACTATTTTCTTCCTCTTT-3'
Protein context (NP_079375.3, residues 354-374): RLLSYSGAVT[Gly364=]VLNEPAGLYE